The following is an entry in ClinVar:

ClinVar aggregate classification (germline): Uncertain significance (1 of 4 stars; one submission).

Conditions:
Inborn genetic diseases. Identifiers: MedGen C0950123, MeSH D030342.

Submission:

Ambry Genetics
Classification: Uncertain significance for Inborn genetic diseases. Last evaluated: 2022-05-23. Review status: criteria provided, single submitter. Criteria: Ambry Variant Classification Scheme 2023. Collection method: clinical testing. Allele origin: germline.
Comment: The p.Y2457H variant (also known as c.7369T>C), located in coding exon 44 of the ATR gene, results from a T to C substitution at nucleotide position 7369. The tyrosine at codon 2457 is replaced by histidine, an amino acid with similar properties. This amino acid position is conserved. In addition, this alteration is predicted to be deleterious by in silico analysis. Since supporting evidence is limited at this time, the clinical significance of this alteration remains unclear.

NM_001184.4(ATR):c.7369T>C (p.Tyr2457His)

Gene: ATR (ATR checkpoint kinase; minus strand). Cytogenetic location: 3q23.
Variant type: single nucleotide variant.
Coding change: c.7369T>C on transcript NM_001184.4 (MANE Select); coding-DNA position 7369, T replaced by C.
Protein change: p.Tyr2457His; replaces tyrosine 2457 with histidine.
Molecular consequence: missense variant.
Genome position (GRCh38, 1-based): chr3:142,459,092, A>G on the plus strand (T>C on the coding strand, the complement: ATR is on the minus strand). VCF-style: chr3-142459092-A-G. GRCh37 (hg19) VCF-style: chr3-142177934-A-G.
Other names: c.7177T>C, p.Tyr2393His (NM_001354579.2); short protein forms Y2393H, Y2457H.
Identifiers: ClinVar variation 1758544 (VCV001758544.2), dbSNP rs2108260596, ClinGen allele CA354796313.
Genomic context (GRCh38, chr3:142,459,092, plus strand): 5'-GACGGTCTCCAAGCCCCAGAATATAACCAACCATTGACATTACTGCAGTGGAACGGCAGT[A>G]AGCTGATCTACTACTGTACCTAAAAGAAACACAATGCCTATGAAATATCCATATACATAT-3'
Protein context (NP_001175.2, residues 2447-2467): PTSWYSSRSA[Tyr2457His]CRSTAVMSMV